The following is an entry in ClinVar:

NM_000180.4(GUCY2D):c.1154C>T (p.Ala385Val)

Gene: GUCY2D (guanylate cyclase 2D, retinal; plus strand). Cytogenetic location: 17p13.1.
Variant type: single nucleotide variant.
Coding change: c.1154C>T on transcript NM_000180.4 (MANE Select); coding-DNA position 1154, C replaced by T.
Protein change: p.Ala385Val; replaces alanine 385 with valine.
Molecular consequence: missense variant.
Genome position (GRCh38, 1-based): chr17:8,006,490, C>T. VCF-style: chr17-8006490-C-T. GRCh37 (hg19) VCF-style: chr17-7909808-C-T.
Other names: short protein forms A385V.
Identifiers: ClinVar variation 968803 (VCV000968803.8), dbSNP rs1301307214, ClinGen allele CA397947849.

ClinVar aggregate classification (germline): Uncertain significance. Review status: criteria provided, multiple submitters, no conflicts (2 of 4 stars). 2 submissions from 2 submitters: Uncertain significance (2). Last evaluated 2022-02-10.

Conditions:
Cone-rod dystrophy 6 (CORD6). Also called: RETINAL CONE DYSTROPHY 2; Cone dystrophy progressive. Identifiers: Orphanet 1872, MedGen C1866293, MONDO:0011143, OMIM 601777.
Leber congenital amaurosis 1 (LCA1). Also called: Congenital absence of the rods and cones; Leber's congenital tapetoretinal degeneration; Leber's congenital tapetoretinal dysplasia; RETINAL BLINDNESS, CONGENITAL; AMAUROSIS CONGENITA OF LEBER I. Identifiers: Orphanet 65, MedGen C2931258, MONDO:0008764, OMIM 204000.

Allele frequency attached by ClinVar (database versions not stated): gnomAD 0.00001; TOPMed 0.00001.
gnomAD v4.1: 4 of 1,607,952 alleles (0.00025%); highest among the groups gnomAD compares: Non-Finnish European, 0.00034%; no homozygotes.

Submissions (2):

Labcorp Genetics (formerly Invitae), Labcorp
Classification: Uncertain significance for Leber congenital amaurosis 1; Cone-rod dystrophy 6. Last evaluated: 2022-02-10. Review status: criteria provided, single submitter. Criteria: Invitae Variant Classification Sherloc (09022015). Collection method: clinical testing. Allele origin: germline.
Comment: This sequence change replaces alanine, which is neutral and non-polar, with valine, which is neutral and non-polar, at codon 385 of the GUCY2D protein (p.Ala385Val). This variant is not present in population databases (gnomAD no frequency). This variant has not been reported in the literature in individuals affected with GUCY2D-related conditions. ClinVar contains an entry for this variant (Variation ID: 968803). Algorithms developed to predict the effect of missense changes on protein structure and function output the following: SIFT: "Deleterious"; PolyPhen-2: "Benign"; Align-GVGD: "Class C0". The valine amino acid residue is found in multiple mammalian species, which suggests that this missense change does not adversely affect protein function. In summary, the available evidence is currently insufficient to determine the role of this variant in disease. Therefore, it has been classified as a Variant of Uncertain Significance.

Blueprint Genetics
Classification: Uncertain significance. Last evaluated: 2019-12-20. Review status: criteria provided, single submitter. Criteria: ACMG Guidelines, 2015. Collection method: clinical testing. Allele origin: germline.